The following is an entry in ClinVar:

ClinVar aggregate classification (germline): Conflicting classifications of pathogenicity. Review status: criteria provided, conflicting classifications (1 of 4 stars). 5 submissions from 5 submitters: Uncertain significance (2); Likely benign (2). 1 of the submissions does not count toward it. Last evaluated 2026-01-05.

Conditions:
ABCC2-related disorder. Also called: ABCC2-related condition.
Dubin-Johnson syndrome (DJS). Also called: HYPERBILIRUBINEMIA, DUBIN-JOHNSON TYPE; Hyperbilirubinemia type 2; Jaundice, Chronic Idiopathic. Identifiers: Orphanet 234, MedGen C0022350, MONDO:0009380, OMIM 237500.

Allele frequency attached by ClinVar (database versions not stated): 1000 Genomes Project 0.00020; 1000 Genomes Project 30x 0.00031; ExAC 0.00035; gnomAD exomes 0.00036 and 0.00062; gnomAD 0.00038 and 0.00041; TOPMed 0.00041; ESP Exome Variant Server 0.00046.
gnomAD v4.1: 965 of 1,614,144 alleles (0.06%); highest among the groups gnomAD compares: Non-Finnish European, 0.075%; 1 homozygote.

Submissions (5):

Labcorp Genetics (formerly Invitae), Labcorp
Classification: Likely benign. Last evaluated: 2026-01-05. Review status: criteria provided, single submitter. Criteria: Invitae Variant Classification Sherloc (09022015). Collection method: clinical testing. Allele origin: germline.

Blueprint Genetics
Classification: Likely benign. Last evaluated: 2024-08-08. Review status: criteria provided, single submitter. Criteria: ACMG Guidelines, 2015. Collection method: clinical testing. Allele origin: germline.

Eurofins Ntd Llc (ga)
Classification: Uncertain significance. Last evaluated: 2018-03-29. Review status: criteria provided, single submitter. Criteria: EGL ClinVar v180209 classification definitions. Collection method: clinical testing. Allele origin: germline. Observed: 3 variant alleles, 3 heterozygotes.

Illumina Laboratory Services, Illumina
Classification: Uncertain significance for Dubin-Johnson syndrome. Last evaluated: 2018-01-13. Review status: criteria provided, single submitter. Criteria: ICSL Variant Classification Criteria 13 December 2019. Collection method: clinical testing. Allele origin: germline.

PreventionGenetics, part of Exact Sciences
Classification: Likely benign for ABCC2-related condition. Last evaluated: 2019-05-09. Review status: no assertion criteria provided. Collection method: clinical testing. Allele origin: germline. Not counted in ClinVar's aggregate classification.
Comment: This variant is classified as likely benign based on ACMG/AMP sequence variant interpretation guidelines (Richards et al. 2015 PMID: 25741868, with internal and published modifications).

NM_000392.5(ABCC2):c.150C>T (p.His50=)

Genes: ABCC2 (ATP binding cassette subfamily C member 2; plus strand), LOC108281165 (MED14-independent group 3 enhancer GRCh37_chr10:101544125-101545324; plus strand). Cytogenetic location: 10q24.2.
Variant type: single nucleotide variant.
Coding change: c.150C>T on transcript NM_000392.5 (MANE Select); coding-DNA position 150, C replaced by T.
Protein change: p.His50=; no amino-acid change (histidine 50 retained).
Molecular consequence: synonymous variant.
Genome position (GRCh38, 1-based): chr10:99,784,724, C>T. VCF-style: chr10-99784724-C-T. GRCh37 (hg19) VCF-style: chr10-101544481-C-T.
Other names: c.150C>T, p.His50= (LRG_1208t1); c.150C>T (NM_000392.4).
Identifiers: ClinVar variation 289985 (VCV000289985.16), dbSNP rs200595851, ClinGen allele CA5642787.